The following is an entry in ClinVar:

NM_001130965.3(SUN1):c.385A>G (p.Thr129Ala)

Gene: SUN1 (Sad1 and UNC84 domain containing 1; plus strand). Cytogenetic location: 7p22.3.
Variant type: single nucleotide variant.
Coding change: c.385A>G on transcript NM_001130965.3 (MANE Select); coding-DNA position 385, A replaced by G.
Protein change: p.Thr129Ala; replaces threonine 129 with alanine.
Molecular consequence: missense variant. On other transcripts: 5 prime UTR variant (4), non-coding transcript variant (3).
Genome position (GRCh38, 1-based): chr7:842,064, A>G. VCF-style: chr7-842064-A-G. GRCh37 (hg19) VCF-style: chr7-881701-A-G.
Other names: c.235A>G, p.Thr79Ala (NM_001367637.1, NM_001367644.1, NM_001367645.1 and 24 more transcripts); c.385A>G, p.Thr129Ala (NM_001367638.1, NM_001367640.1, NM_001367641.1 and 34 more transcripts); c.-183A>G (NM_001367639.1, NM_001367708.1); c.604A>G, p.Thr202Ala (NM_001367651.1); c.-377A>G (NM_001367658.1); c.196A>G, p.Thr66Ala (NM_001367695.1); c.448A>G, p.Thr150Ala (NM_001171945.2); c.-73A>G (NM_001367635.1); short protein forms T79A, T66A, T129A, T150A, T202A.
Identifiers: ClinVar variation 1509216 (VCV001509216.8), dbSNP rs2128296982, ClinGen allele CA366547067.

ClinVar aggregate classification (germline): Uncertain significance (1 of 4 stars; one submission).

Conditions:
Emery-Dreifuss muscular dystrophy (EDMD). Also called: Scapuloperoneal syndrome, X-linked (formerly); Humeroperoneal neuromuscular disease, (formerly). Identifiers: Orphanet 261, MedGen C0410189, MONDO:0016830.

gnomAD v4.1: 1 of 1,614,144 alleles (0.000062%); highest among the groups gnomAD compares: Non-Finnish European, 0.000085%; no homozygotes.

Submission:

Labcorp Genetics (formerly Invitae), Labcorp
Classification: Uncertain significance for Emery-Dreifuss muscular dystrophy. Last evaluated: 2021-05-30. Review status: criteria provided, single submitter. Criteria: Invitae Variant Classification Sherloc (09022015). Collection method: clinical testing. Allele origin: germline.
Comment: In summary, the available evidence is currently insufficient to determine the role of this variant in disease. Therefore, it has been classified as a Variant of Uncertain Significance. Algorithms developed to predict the effect of missense changes on protein structure and function output the following: SIFT: "Tolerated"; PolyPhen-2: "Benign"; Align-GVGD: "Class C0". The alanine amino acid residue is found in multiple mammalian species, suggesting that this missense change does not adversely affect protein function. These predictions have not been confirmed by published functional studies and their clinical significance is uncertain. This variant has not been reported in the literature in individuals with SUN1-related conditions. This variant is not present in population databases (ExAC no frequency). This sequence change replaces threonine with alanine at codon 129 of the SUN1 protein (p.Thr129Ala). The threonine residue is weakly conserved and there is a small physicochemical difference between threonine and alanine.